The following is an entry in ClinVar:

ClinVar aggregate classification (germline): Uncertain significance (1 of 4 stars; one submission).

Conditions:
Breast-ovarian cancer, familial, susceptibility to, 2 (BROVCA2). Also called: BRCA2 Hereditary Breast and Ovarian Cancer. Identifiers: Orphanet 145, MedGen C2675520, MONDO:0012933, OMIM 612555. Disease mechanism: loss of function.

Submission:

All of Us Research Program, National Institutes of Health
Classification: Uncertain significance for Breast-ovarian cancer, familial, susceptibility to, 2. Last evaluated: 2023-12-18. Review status: criteria provided, single submitter. Criteria: ACMG Guidelines, 2015. Collection method: clinical testing. Allele origin: germline. Inheritance: Autosomal dominant inheritance. Observed: 1 variant allele, 1 heterozygote.
Comment: This missense variant replaces methionine with lysine at codon 1029 of the BRCA2 protein. Computational prediction suggests that this variant may not impact protein structure and function (internally defined REVEL score threshold <= 0.5, PMID: 27666373). To our knowledge, functional studies have not been reported for this variant. This variant has not been reported in individuals affected with BRCA2-related disorders in the literature. This variant has not been identified in the general population by the Genome Aggregation Database (gnomAD). The available evidence is insufficient to determine the role of this variant in disease conclusively. Therefore, this variant is classified as a Variant of Uncertain Significance.

This study involves interpretation of variants in research participants for the purpose of population health screening. Participant phenotype was not available at the time of variant classification. Additional details can be found in publication PMID: 35346344, PMCID: PMC8962531

NM_000059.4(BRCA2):c.3086T>A (p.Met1029Lys)

Gene: BRCA2 (BRCA2 DNA repair associated; plus strand). Cytogenetic location: 13q13.1.
Variant type: single nucleotide variant.
Coding change: c.3086T>A on transcript NM_000059.4 (MANE Select); coding-DNA position 3086, T replaced by A.
Protein change: p.Met1029Lys; replaces methionine 1029 with lysine.
Molecular consequence: missense variant. On other transcripts: non-coding transcript variant (1), intron variant (2).
Genome position (GRCh38, 1-based): chr13:32,337,441, T>A. VCF-style: chr13-32337441-T-A. GRCh37 (hg19) VCF-style: chr13-32911578-T-A.
Other names: c.3086T>A, p.Met1029Lys (NM_001406719.1, NM_001406720.1); c.1909+4054T>A (NM_001406721.1); c.424+6411T>A (NM_001406722.1); short protein forms M1029K.
Identifiers: ClinVar variation 3075180 (VCV003075180.1), dbSNP rs2137493039, ClinGen allele CA387775238.
Genomic context (GRCh38, chr13:32,337,441, plus strand): 5'-TCAGAACAGCTTCAAATAAGGAAATCAAGCTCTCTGAACATAACATTAAGAAGAGCAAAA[T>A]GTTCTTCAAAGATATTGAAGAACAATATCCTACTAGTTTAGCTTGTGTTGAAATTGTAAA-3'
Protein context (NP_000050.3, residues 1019-1039): LSEHNIKKSK[Met1029Lys]FFKDIEEQYP